The following is an entry in ClinVar:

NM_000059.4(BRCA2):c.2666del (p.Asn889fs)

Gene: BRCA2 (BRCA2 DNA repair associated; plus strand). Cytogenetic location: 13q13.1.
Variant type: Deletion.
Coding change: c.2666del on transcript NM_000059.4 (MANE Select); coding-DNA position 2666, one base deleted (A; older notation c.2666delA).
Protein change: p.Asn889fs; shifts the reading frame from asparagine 889.
Molecular consequence: frameshift variant. On other transcripts: non-coding transcript variant (1), intron variant (2).
Genome position (GRCh38, 1-based): chr13:32,337,021, A deleted; the last of 2 consecutive A bases (chr13:32,337,020-32,337,021); deleting either gives the same sequence. VCF-style (leftmost placement, unchanged base first): chr13-32337019-TA-T. GRCh37 (hg19) VCF-style: chr13-32911156-TA-T.
Other names: c.2666del, p.Asn889fs (NM_001406719.1, NM_001406720.1); c.1909+3634del (NM_001406721.1); c.424+5991del (NM_001406722.1); short protein forms N889fs.
Identifiers: ClinVar variation 2816742 (VCV002816742.3), dbSNP rs2548524451, ClinGen allele CA2695218013.

ClinVar aggregate classification (germline): Pathogenic (1 of 4 stars; one submission).

Conditions:
Hereditary breast ovarian cancer syndrome. Also called: Hereditary breast and ovarian cancer; BRCA1- and BRCA2-Associated Hereditary Breast and Ovarian Cancer; Hereditary breast and ovarian cancer syndrome; Breast and ovarian cancer; Hereditary breast and ovarian cancer syndrome (HBOC); Hereditary breast and/or ovarian cancer syndrome. Identifiers: Orphanet 145, MedGen C0677776, MeSH D061325, MONDO:0003582. Disease mechanism: loss of function.

Submission:

Labcorp Genetics (formerly Invitae), Labcorp
Classification: Pathogenic for Hereditary breast ovarian cancer syndrome. Last evaluated: 2022-11-25. Review status: criteria provided, single submitter. Criteria: Invitae Variant Classification Sherloc (09022015). Collection method: clinical testing. Allele origin: germline.
Comment: For these reasons, this variant has been classified as Pathogenic. This variant has not been reported in the literature in individuals affected with BRCA2-related conditions. This variant is not present in population databases (gnomAD no frequency). This sequence change creates a premature translational stop signal (p.Asn889Ilefs*6) in the BRCA2 gene. It is expected to result in an absent or disrupted protein product. Loss-of-function variants in BRCA2 are known to be pathogenic (PMID: 20104584).

Literature cited by the submitters: PubMed 20104584.